The following is an entry in ClinVar:

ClinVar aggregate classification (germline): Uncertain significance (1 of 4 stars; one submission).

Conditions:
Hereditary pancreatitis (PCTT). Also called: Hereditary chronic pancreatitis; PRSS1-Related Hereditary Pancreatitis. Identifiers: Orphanet 676, MedGen C0238339, MONDO:0008185, OMIM 167800.

Submission:

Ambry Genetics
Classification: Uncertain significance for Hereditary pancreatitis. Last evaluated: 2024-08-21. Review status: criteria provided, single submitter. Criteria: Ambry Variant Classification Scheme 2023. Collection method: clinical testing. Allele origin: germline.
Comment: The p.G219C variant (also known as c.655G>T), located in coding exon 5 of the PRSS1 gene, results from a G to T substitution at nucleotide position 655. The glycine at codon 219 is replaced by cysteine, an amino acid with highly dissimilar properties. This amino acid position is conserved. In addition, this alteration is predicted to be deleterious by in silico analysis. Based on the available evidence, the clinical significance of this variant remains unclear.

NM_002769.5(PRSS1):c.655G>T (p.Gly219Cys)

Genes: TRB (T cell receptor beta locus; plus strand), PRSS1 (serine protease 1; plus strand). Cytogenetic location: 7q34.
Variant type: single nucleotide variant.
Coding change: c.655G>T on transcript NM_002769.5 (MANE Select); coding-DNA position 655, G replaced by T.
Protein change: p.Gly219Cys; replaces glycine 219 with cysteine.
Molecular consequence: missense variant. On other transcripts: non-coding transcript variant (5).
Genome position (GRCh38, 1-based): chr7:142,752,931, G>T. VCF-style: chr7-142752931-G-T. GRCh37 (hg19) VCF-style: chr7-142460782-G-T.
Other names: short protein forms G219C.
Identifiers: ClinVar variation 3426320 (VCV003426320.1).